The following is an entry in ClinVar:

NM_001029998.6(SLC10A7):c.514C>T (p.Gln172Ter)

Gene: SLC10A7 (solute carrier family 10 member 7; minus strand). Cytogenetic location: 4q31.22.
Variant type: single nucleotide variant.
Coding change: c.514C>T on transcript NM_001029998.6 (MANE Select); coding-DNA position 514, C replaced by T.
Protein change: p.Gln172Ter; replaces glutamine 172 with a stop codon.
Molecular consequence: nonsense. On other transcripts: non-coding transcript variant (1).
Genome position (GRCh38, 1-based): chr4:146,305,967, G>A on the plus strand (C>T on the coding strand, the complement: SLC10A7 is on the minus strand). VCF-style: chr4-146305967-G-A. GRCh37 (hg19) VCF-style: chr4-147227119-G-A.
Other names: c.514C>T, p.Gln172Ter (NM_001300842.3); c.475C>T, p.Gln159Ter (NM_001317816.2); short protein forms Q172*, Q159*.
Identifiers: ClinVar variation 4982862 (VCV004982862.1).

ClinVar aggregate classification (germline): Pathogenic (1 of 4 stars; one submission).

Conditions:
SLC10A7-related disorder. Also called: SLC10A7-related condition.

gnomAD v4.1: 6 of 1,610,038 alleles (0.00037%); highest among the groups gnomAD compares: Non-Finnish European, 0.00051%; no homozygotes.

Submission:

PreventionGenetics, part of Exact Sciences
Classification: Pathogenic for SLC10A7-related condition. Last evaluated: 2025-02-04. Review status: criteria provided, single submitter. Criteria: ACMG Guidelines, 2015. Collection method: clinical testing. Allele origin: germline.
Comment: The SLC10A7 c.514C>T variant is predicted to result in premature protein termination (p.Gln172*). This variant has been reported in the homozygous state in two distantly related individuals with skeletal dysplasia and amelogenesis imperfecta (Families 4 and 5 in Dubail et al. 2018. PubMed ID: 30082715). This variant is reported in 0.00089% of alleles in individuals of European (Non-Finnish) descent in gnomAD. Nonsense variants in SLC10A7 are expected to be pathogenic. This variant is interpreted as pathogenic.